The following is an entry in ClinVar:

NM_007215.4(POLG2):c.313G>C (p.Glu105Gln)

Genes: MILR1 (mast cell immunoglobulin like receptor 1; plus strand), POLG2 (DNA polymerase gamma 2, accessory subunit; minus strand). Cytogenetic location: 17q23.3.
Variant type: single nucleotide variant.
Coding change: c.313G>C on transcript NM_007215.4 (MANE Select); coding-DNA position 313, G replaced by C.
Protein change: p.Glu105Gln; replaces glutamic acid 105 with glutamine.
Molecular consequence: missense variant.
Genome position (GRCh38, 1-based): chr17:64,496,656, C>G on the plus strand (G>C on the coding strand, the complement: POLG2 is on the minus strand). VCF-style: chr17-64496656-C-G. GRCh37 (hg19) VCF-style: chr17-62492774-C-G.
Other names: short protein forms E105Q.
Identifiers: ClinVar variation 2750149 (VCV002750149.3), dbSNP rs2509560757, ClinGen allele CA400641196.
Genomic context (GRCh38, chr17:64,496,656, plus strand): 5'-CCTGCTCCCTGAACACCACCACCGAGGTCCACCATTCTGCGGCCAGGTTCTTCCGCAACT[C>G]TACGCCCAAGGGTCCGAAGCCGGGGTGGCACCCACTCAGAAGAGAATCCCGGCTAAGCTG-3'
Protein context (NP_009146.2, residues 95-115): CHPGFGPLGV[Glu105Gln]LRKNLAAEWW

ClinVar aggregate classification (germline): Uncertain significance (1 of 4 stars; one submission).

Submission:

Labcorp Genetics (formerly Invitae), Labcorp
Classification: Uncertain significance. Last evaluated: 2023-08-04. Review status: criteria provided, single submitter. Criteria: Invitae Variant Classification Sherloc (09022015). Collection method: clinical testing. Allele origin: germline.
Comment: This sequence change replaces glutamic acid, which is acidic and polar, with glutamine, which is neutral and polar, at codon 105 of the POLG2 protein (p.Glu105Gln). In summary, the available evidence is currently insufficient to determine the role of this variant in disease. Therefore, it has been classified as a Variant of Uncertain Significance. An algorithm developed to predict the effect of missense changes on protein structure and function (PolyPhen-2) suggests that this variant is likely to be tolerated. This variant has not been reported in the literature in individuals affected with POLG2-related conditions. This variant is not present in population databases (gnomAD no frequency).